The following is an entry in ClinVar:

ClinVar aggregate classification (germline): Uncertain significance (1 of 4 stars; one submission).

gnomAD v4.1: 11 of 1,613,848 alleles (0.00068%); highest among the groups gnomAD compares: South Asian, 0.0022%; no homozygotes.

Submission:

GeneDx
Classification: Uncertain significance. Last evaluated: 2024-04-22. Review status: criteria provided, single submitter. Criteria: GeneDx Variant Classification Process June 2021. Collection method: clinical testing. Allele origin: germline. Affected: yes.
Comment: Not observed at significant frequency in large population cohorts (gnomAD); In silico analysis indicates that this missense variant does not alter protein structure/function; Has not been previously published as pathogenic or benign to our knowledge

NM_006734.4(HIVEP2):c.5482G>A (p.Val1828Ile)

Gene: HIVEP2 (HIVEP zinc finger 2; minus strand). Cytogenetic location: 6q24.2.
Variant type: single nucleotide variant.
Coding change: c.5482G>A on transcript NM_006734.4 (MANE Select); coding-DNA position 5482, G replaced by A.
Protein change: p.Val1828Ile; replaces valine 1828 with isoleucine.
Molecular consequence: missense variant.
Genome position (GRCh38, 1-based): chr6:142,764,835, C>T on the plus strand (G>A on the coding strand, the complement: HIVEP2 is on the minus strand). VCF-style: chr6-142764835-C-T. GRCh37 (hg19) VCF-style: chr6-143085972-C-T.
Other names: short protein forms V1828I.
Identifiers: ClinVar variation 3372920 (VCV003372920.1).